The following is an entry in ClinVar:

ClinVar aggregate classification (germline): Uncertain significance (1 of 4 stars; one submission).

Allele frequency attached by ClinVar (database versions not stated): gnomAD exomes below 0.00001.

Submission:

Ambry Genetics
Classification: Uncertain significance. Last evaluated: 2024-10-23. Review status: criteria provided, single submitter. Criteria: Ambry Variant Classification Scheme 2023. Collection method: clinical testing. Allele origin: germline.
Comment: The p.R1311G variant (also known as c.3931A>G), located in coding exon 8 of the MLH3 gene, results from an A to G substitution at nucleotide position 3931. The arginine at codon 1311 is replaced by glycine, an amino acid with dissimilar properties. This amino acid position is conserved. In addition, the in silico prediction for this alteration is inconclusive. Since supporting evidence is limited at this time, the clinical significance of this alteration remains unclear.

NM_001040108.2(MLH3):c.3931A>G (p.Arg1311Gly)

Gene: MLH3 (mutL homolog 3; minus strand). Cytogenetic location: 14q24.3.
Variant type: single nucleotide variant.
Coding change: c.3931A>G on transcript NM_001040108.2 (MANE Select); coding-DNA position 3931, A replaced by G.
Protein change: p.Arg1311Gly; replaces arginine 1311 with glycine.
Molecular consequence: missense variant.
Genome position (GRCh38, 1-based): chr14:75,030,599, T>C on the plus strand (A>G on the coding strand, the complement: MLH3 is on the minus strand). VCF-style: chr14-75030599-T-C. GRCh37 (hg19) VCF-style: chr14-75497302-T-C.
Other names: c.3859A>G, p.Arg1287Gly (NM_014381.3); short protein forms R1287G, R1311G.
Identifiers: ClinVar variation 1736272 (VCV001736272.3), dbSNP rs2503117266, ClinGen allele CA390422674.
Genomic context (GRCh38, chr14:75,030,599, plus strand): 5'-TTACCTCCACAATACTCTTGGTCACAGTAGATCTTCCTCTCCGAAGTTCATTGGCTTCTC[T>C]TTCCACAAAACATAGTGGTACTTTTCCCACAAGGACCAGAGAATCACTAGTGTCTGGAAA-3'
Protein context (NP_001035197.1, residues 1301-1321): VGKVPLCFVE[Arg1311Gly]EANELRRGRS